The following is an entry in ClinVar:

ClinVar aggregate classification (germline): Uncertain significance. Review status: criteria provided, multiple submitters, no conflicts (2 of 4 stars). 2 submissions from 2 submitters: Uncertain significance (2). Last evaluated 2025-08-11.

Conditions:
Dilated cardiomyopathy 1O (CMD1O). Also called: CARDIOMYOPATHY, DILATED, WITH VENTRICULAR TACHYCARDIA. Identifiers: Orphanet 154, MedGen C1837839, MONDO:0012062, OMIM 608569.
Cardiovascular phenotype. Identifiers: MedGen CN230736.

Allele frequency attached by ClinVar (database versions not stated): gnomAD exomes below 0.00001; gnomAD 0.00001.

Submissions (2):

Ambry Genetics
Classification: Uncertain significance for Cardiovascular phenotype. Last evaluated: 2025-08-11. Review status: criteria provided, single submitter. Criteria: Ambry Variant Classification Scheme 2023. Collection method: clinical testing. Allele origin: germline.
Comment: The p.M1060T variant (also known as c.3179T>C), located in coding exon 25 of the ABCC9 gene, results from a T to C substitution at nucleotide position 3179. The methionine at codon 1060 is replaced by threonine, an amino acid with similar properties. This amino acid position is well conserved in available vertebrate species. In addition, the in silico prediction for this alteration is inconclusive. Based on the available evidence, the clinical significance of this variant remains unclear.

Labcorp Genetics (formerly Invitae), Labcorp
Classification: Uncertain significance for Dilated cardiomyopathy 1O. Last evaluated: 2023-09-29. Review status: criteria provided, single submitter. Criteria: Invitae Variant Classification Sherloc (09022015). Collection method: clinical testing. Allele origin: germline.
Comment: ClinVar contains an entry for this variant (Variation ID: 1507972). This variant has not been reported in the literature in individuals affected with ABCC9-related conditions. This variant is not present in population databases (gnomAD no frequency). This sequence change replaces methionine, which is neutral and non-polar, with threonine, which is neutral and polar, at codon 1060 of the ABCC9 protein (p.Met1060Thr). Advanced modeling of protein sequence and biophysical properties (such as structural, functional, and spatial information, amino acid conservation, physicochemical variation, residue mobility, and thermodynamic stability) performed at Invitae indicates that this missense variant is not expected to disrupt ABCC9 protein function. In summary, the available evidence is currently insufficient to determine the role of this variant in disease. Therefore, it has been classified as a Variant of Uncertain Significance.

NM_020297.4(ABCC9):c.3179T>C (p.Met1060Thr)

Gene: ABCC9 (ATP binding cassette subfamily C member 9; minus strand). Cytogenetic location: 12p12.1.
Variant type: single nucleotide variant.
Coding change: c.3179T>C on transcript NM_020297.4 (MANE Select); coding-DNA position 3179, T replaced by C.
Protein change: p.Met1060Thr; replaces methionine 1060 with threonine.
Molecular consequence: missense variant.
Genome position (GRCh38, 1-based): chr12:21,844,833, A>G on the plus strand (T>C on the coding strand, the complement: ABCC9 is on the minus strand). VCF-style: chr12-21844833-A-G. GRCh37 (hg19) VCF-style: chr12-21997767-A-G.
Other names: c.3179T>C, p.Met1060Thr (NM_001377273.1, NM_005691.4); c.2312T>C, p.Met771Thr (NM_001377274.1); c.3179T>C (NM_005691.2); short protein forms M771T, M1060T.
Identifiers: ClinVar variation 1507972 (VCV001507972.9), dbSNP rs1358997583, ClinGen allele CA384118568.